The following is an entry in ClinVar:

NM_015910.7(WDPCP):c.257G>A (p.Arg86Gln)

Gene: WDPCP (WD repeat containing planar cell polarity effector; minus strand). Cytogenetic location: 2p15.
Variant type: single nucleotide variant.
Coding change: c.257G>A on transcript NM_015910.7 (MANE Select); coding-DNA position 257, G replaced by A.
Protein change: p.Arg86Gln; replaces arginine 86 with glutamine.
Molecular consequence: missense variant. On other transcripts: non-coding transcript variant (2).
Genome position (GRCh38, 1-based): chr2:63,484,984, C>T on the plus strand (G>A on the coding strand, the complement: WDPCP is on the minus strand). VCF-style: chr2-63484984-C-T. GRCh37 (hg19) VCF-style: chr2-63712118-C-T.
Other names: c.257G>A (NM_015910.5); c.185G>A, p.Arg62Gln (NM_001354044.2); c.257G>A, p.Arg86Gln (NM_001354045.2); short protein forms R62Q, R86Q.
Identifiers: ClinVar variation 3586836 (VCV003586836.2).

ClinVar aggregate classification (germline): Uncertain significance. Review status: criteria provided, multiple submitters, no conflicts (2 of 4 stars). 2 submissions from 2 submitters: Uncertain significance (2). Last evaluated 2026-05-15.

Conditions:
Bardet-Biedl syndrome 15 (BBS15). Identifiers: Orphanet 110, MedGen C3150127, MONDO:0014443, OMIM 615992.
Heart defect - tongue hamartoma - polysyndactyly syndrome. Also called: Congenital heart defects, hamartomas of tongue, and polysyndactyly. Identifiers: Orphanet 1338, MedGen C1857587, MONDO:0009008, OMIM 217085.
WDPCP-related disorder. Also called: WDPCP-related condition.

gnomAD v4.1: 9 of 1,612,372 alleles (0.00056%); highest among the groups gnomAD compares: South Asian, 0.0055%; no homozygotes.

Submissions (2):

PreventionGenetics, part of Exact Sciences
Classification: Uncertain significance for WDPCP-related condition. Last evaluated: 2026-05-15. Review status: criteria provided, single submitter. Criteria: ACMG Guidelines, 2015. Collection method: clinical testing. Allele origin: germline.
Comment: The WDPCP c.257G>A variant is predicted to result in the amino acid substitution p.Arg86Gln. To our knowledge, this variant has not been reported in the literature. This variant is reported in 0.0065% of alleles in individuals of African descent in gnomAD. At this time, the clinical significance of this variant is uncertain due to the absence of conclusive functional and genetic evidence.

Fulgent Genetics
Classification: Uncertain significance for Heart defect - tongue hamartoma - polysyndactyly syndrome; Bardet-Biedl syndrome 15. Last evaluated: 2024-06-19. Review status: criteria provided, single submitter. Criteria: ACMG Guidelines, 2015. Collection method: clinical testing. Allele origin: germline.